The following is an entry in ClinVar:

ClinVar aggregate classification (germline): Uncertain significance. Review status: criteria provided, single submitter (1 of 4 stars). 2 submissions from 2 submitters: Uncertain significance (1). 1 of the submissions does not count toward it. Last evaluated 2023-12-18.

Conditions:
SEMA3D-related disorder. Also called: SEMA3D-related condition.

gnomAD v4.1: 96 of 1,613,862 alleles (0.0059%); highest among the groups gnomAD compares: Middle Eastern, 0.082%; no homozygotes.

Submissions (2):

Ambry Genetics
Classification: Uncertain significance. Last evaluated: 2023-12-18. Review status: criteria provided, single submitter. Criteria: Ambry Variant Classification Scheme 2023. Collection method: clinical testing. Allele origin: germline.

PreventionGenetics, part of Exact Sciences
Classification: Uncertain significance for SEMA3D-related condition. Last evaluated: 2024-06-10. Review status: no assertion criteria provided. Collection method: clinical testing. Allele origin: germline. Not counted in ClinVar's aggregate classification.
Comment: The SEMA3D c.2129G>A variant is predicted to result in the amino acid substitution p.Arg710Gln. To our knowledge, this variant has not been reported in the literature. This variant is reported in 0.046% of alleles in individuals of South Asian descent in gnomAD. At this time, the clinical significance of this variant is uncertain due to the absence of conclusive functional and genetic evidence.

NM_001384900.1(SEMA3D):c.2129G>A (p.Arg710Gln)

Genes: SEMA3D (semaphorin 3D; minus strand), LOC126860094 (BRD4-independent group 4 enhancer GRCh37_chr7:84628763-84629962; plus strand). Cytogenetic location: 7q21.11.
Variant type: single nucleotide variant.
Coding change: c.2129G>A on transcript NM_001384900.1 (MANE Select); coding-DNA position 2129, G replaced by A.
Protein change: p.Arg710Gln; replaces arginine 710 with glutamine.
Molecular consequence: missense variant.
Genome position (GRCh38, 1-based): chr7:84,999,645, C>T on the plus strand (G>A on the coding strand, the complement: SEMA3D is on the minus strand). VCF-style: chr7-84999645-C-T. GRCh37 (hg19) VCF-style: chr7-84628961-C-T.
Other names: c.2129G>A, p.Arg710Gln (NM_001384901.1, NM_001384902.1, NM_001384903.1 and 1 more transcripts); short protein forms R710Q.
Identifiers: ClinVar variation 3159717 (VCV003159717.2), dbSNP rs376940969, ClinGen allele CA4323206.